The following is an entry in ClinVar:

ClinVar aggregate classification (germline): Pathogenic (1 of 4 stars; one submission).

Conditions:
Cleidocranial dysostosis (CLCD1). Also called: cleidocranial dysplasia 1; Marie-Sainton disease; Cleidocranial Dysplasia Spectrum Disorder. Identifiers: Orphanet 1452, MedGen C0008928, MONDO:0007340, OMIM 119600.

Submission:

Clinical Genetics Laboratory, Skane University Hospital Lund
Classification: Pathogenic for Cleidocranial dysostosis. Last evaluated: 2026-01-21. Review status: criteria provided, single submitter. Criteria: ACMG Guidelines, 2015. Collection method: clinical testing. Allele origin: germline. Inheritance: Autosomal dominant inheritance. Affected: yes.
Comment: ACMG-criteria: PVS1_strong, PM2, PP1 and PP4_strong.

NM_001024630.4(RUNX2):c.859_859+1insACTCT

Gene: RUNX2 (RUNX family transcription factor 2; plus strand). Cytogenetic location: 6p21.1.
Variant type: Insertion.
Coding change: c.859_859+1insACTCT on transcript NM_001024630.4 (MANE Select); coding-DNA position 859 through the canonical splice donor site of the intron after coding-DNA position 859, ACTCT inserted.
Molecular consequence: splice donor variant.
Genome position: GRCh38 VCF-style: chr6-45492114-G-GACTCT. GRCh37 (hg19) VCF-style: chr6-45459851-G-GACTCT.
Other names: c.859_859+1insACTCT (NM_001015051.4); c.817_817+1insACTCT (NM_001369405.1, NM_001278478.2).
Identifiers: ClinVar variation 4686559 (VCV004686559.1).